The following is an entry in ClinVar:

NM_031372.4(HNRNPDL):c.1105C>G (p.Gln369Glu)

Gene: HNRNPDL (heterogeneous nuclear ribonucleoprotein D like; minus strand). Cytogenetic location: 4q21.22.
Variant type: single nucleotide variant.
Coding change: c.1105C>G on transcript NM_031372.4 (MANE Select); coding-DNA position 1105, C replaced by G.
Protein change: p.Gln369Glu; replaces glutamine 369 with glutamic acid.
Molecular consequence: missense variant. On other transcripts: non-coding transcript variant (1), intron variant (1).
Genome position (GRCh38, 1-based): chr4:82,426,550, G>C on the plus strand (C>G on the coding strand, the complement: HNRNPDL is on the minus strand). VCF-style: chr4-82426550-G-C. GRCh37 (hg19) VCF-style: chr4-83347703-G-C.
Other names: c.1022-421C>G (NM_001207000.1); short protein forms Q369E.
Identifiers: ClinVar variation 2104650 (VCV002104650.4), dbSNP rs748273097, ClinGen allele CA2984777.

ClinVar aggregate classification (germline): Uncertain significance (1 of 4 stars; one submission).

Conditions:
Autosomal dominant limb-girdle muscular dystrophy type 1G (LGMDD3). Also called: Limb-girdle muscular dystrophy, type 1G; MUSCULAR DYSTROPHY, LIMB-GIRDLE, AUTOSOMAL DOMINANT 3. Identifiers: Orphanet 55596, MedGen C1836765, MONDO:0012193, OMIM 609115.

Allele frequency attached by ClinVar (database versions not stated): gnomAD exomes below 0.00001; ExAC 0.00002.

Submission:

Labcorp Genetics (formerly Invitae), Labcorp
Classification: Uncertain significance for Autosomal dominant limb-girdle muscular dystrophy type 1G. Last evaluated: 2022-09-07. Review status: criteria provided, single submitter. Criteria: Invitae Variant Classification Sherloc (09022015). Collection method: clinical testing. Allele origin: germline.
Comment: In summary, the available evidence is currently insufficient to determine the role of this variant in disease. Therefore, it has been classified as a Variant of Uncertain Significance. Algorithms developed to predict the effect of missense changes on protein structure and function are either unavailable or do not agree on the potential impact of this missense change (SIFT: "Deleterious"; PolyPhen-2: "Benign"; Align-GVGD: "Class C25"). This variant has not been reported in the literature in individuals affected with HNRNPDL-related conditions. This variant is present in population databases (rs748273097, gnomAD 0.003%). This sequence change replaces glutamine, which is neutral and polar, with glutamic acid, which is acidic and polar, at codon 369 of the HNRNPDL protein (p.Gln369Glu).